The following is an entry in ClinVar:

NM_130810.4(DNAAF4):c.1241A>C (p.Gln414Pro)

Genes: DNAAF4 (dynein axonemal assembly factor 4; minus strand), DNAAF4-CCPG1 (DNAAF4-CCPG1 readthrough (NMD candidate); minus strand). Cytogenetic location: 15q21.3.
Variant type: single nucleotide variant.
Coding change: c.1241A>C on transcript NM_130810.4 (MANE Select); coding-DNA position 1241, A replaced by C.
Protein change: p.Gln414Pro; replaces glutamine 414 with proline.
Molecular consequence: missense variant. On other transcripts: 3 prime UTR variant (1), intron variant (1).
Genome position (GRCh38, 1-based): chr15:55,430,692, T>G on the plus strand (A>C on the coding strand, the complement: DNAAF4 is on the minus strand). VCF-style: chr15-55430692-T-G. GRCh37 (hg19) VCF-style: chr15-55722890-T-G.
Other names: c.*4A>C (NM_001033559.3); c.1047+4213A>C (NM_001033560.2); short protein forms Q414P.
Identifiers: ClinVar variation 410958 (VCV000410958.12), dbSNP rs148152687, ClinGen allele CA7574769.
Genomic context (GRCh38, chr15:55,430,692, plus strand): 5'-AAAAACTTATAACAATACTTAGTTACTTCTAATAGTCATTAAGATTTTAGTTCTGTTCCT[T>G]GAATTACATTCCGAATCTTCTCAGCATCAATTTGTACAATTTTGTTGGATGGATCAATCT-3'
Protein context (NP_570722.2, residues 404-420): IDAEKIRNVI[Gln414Pro]GTELKS

ClinVar aggregate classification (germline): Uncertain significance. Review status: criteria provided, multiple submitters, no conflicts (2 of 4 stars). 4 submissions from 4 submitters: Uncertain significance (4). Last evaluated 2025-08-08.

Conditions:
Dyslexia, susceptibility to, 1. Also called: READING DISABILITY, SPECIFIC, 1; WORD-BLINDNESS, CONGENITAL. Identifiers: MedGen C1851967, MONDO:0007487, OMIM 127700.
Primary ciliary dyskinesia 25 (CILD25). Also called: CILIARY DYSKINESIA, PRIMARY, 25, WITH OR WITHOUT SITUS INVERSUS. Identifiers: Orphanet 244, MedGen C3809641, MONDO:0014203, OMIM 615482.
Inborn genetic diseases. Identifiers: MedGen C0950123, MeSH D030342.

Allele frequency attached by ClinVar (database versions not stated): ESP Exome Variant Server 0.00008; gnomAD exomes 0.00007 and 0.00008; ExAC 0.00009; TOPMed 0.00005; gnomAD 0.00004.
gnomAD v4.1: 115 of 1,612,872 alleles (0.0071%); highest among the groups gnomAD compares: Middle Eastern, 0.017%; 1 homozygote.

Submissions (4):

Ambry Genetics
Classification: Uncertain significance for Inborn genetic diseases. Last evaluated: 2025-08-08. Review status: criteria provided, single submitter. Criteria: Ambry Variant Classification Scheme 2023. Collection method: clinical testing. Allele origin: germline.

Genomic Medicine Center of Excellence, King Faisal Specialist Hospital and Research Centre
Classification: Uncertain significance for Dyslexia, susceptibility to, 1. Last evaluated: 2024-09-22. Review status: criteria provided, single submitter. Criteria: ACMG Guidelines, 2015. Collection method: clinical testing. Allele origin: germline.

Labcorp Genetics (formerly Invitae), Labcorp
Classification: Uncertain significance. Last evaluated: 2022-03-30. Review status: criteria provided, single submitter. Criteria: Invitae Variant Classification Sherloc (09022015). Collection method: clinical testing. Allele origin: germline.
Comment: This sequence change replaces glutamine, which is neutral and polar, with proline, which is neutral and non-polar, at codon 414 of the DNAAF4 protein (p.Gln414Pro). This variant is present in population databases (rs148152687, gnomAD 0.01%). This variant has not been reported in the literature in individuals affected with DNAAF4-related conditions. ClinVar contains an entry for this variant (Variation ID: 410958). Algorithms developed to predict the effect of missense changes on protein structure and function are either unavailable or do not agree on the potential impact of this missense change (SIFT: "Deleterious"; PolyPhen-2: "Probably Damaging"; Align-GVGD: "Class C0"). In summary, the available evidence is currently insufficient to determine the role of this variant in disease. Therefore, it has been classified as a Variant of Uncertain Significance.

Genetics and Molecular Pathology, SA Pathology
Classification: Uncertain significance for Primary ciliary dyskinesia 25. Last evaluated: 2020-02-14. Review status: criteria provided, single submitter. Criteria: ACMG Guidelines, 2015. Collection method: clinical testing. Allele origin: germline. Inheritance: Autosomal recessive inheritance. Affected: yes.